The following is an entry in ClinVar:

ClinVar aggregate classification (germline): Uncertain significance (1 of 4 stars; one submission).

Conditions:
Mosaic variegated aneuploidy syndrome 2 (MVA2). Identifiers: Orphanet 1052, MedGen C3279843, MONDO:0013582, OMIM 614114.

Allele frequency attached by ClinVar (database versions not stated): gnomAD exomes below 0.00001.
gnomAD v4.1: 1 of 1,611,448 alleles (0.000062%); highest among the groups gnomAD compares: Non-Finnish European, 0.000085%; no homozygotes.

Submission:

Labcorp Genetics (formerly Invitae), Labcorp
Classification: Uncertain significance for Mosaic variegated aneuploidy syndrome 2. Last evaluated: 2025-07-30. Review status: criteria provided, single submitter. Criteria: Invitae Variant Classification Sherloc (09022015). Collection method: clinical testing. Allele origin: germline.
Comment: This sequence change falls in intron 3 of the CEP57 gene. It does not directly change the encoded amino acid sequence of the CEP57 protein. It affects a nucleotide within the consensus splice site. This variant is not present in population databases (gnomAD no frequency). This variant has not been reported in the literature in individuals affected with CEP57-related conditions. ClinVar contains an entry for this variant (Variation ID: 2157964). Variants that disrupt the consensus splice site are a relatively common cause of aberrant splicing (PMID: 17576681, 9536098). Algorithms developed to predict the effect of sequence changes on RNA splicing suggest that this variant is not likely to affect RNA splicing. In summary, the available evidence is currently insufficient to determine the role of this variant in disease. Therefore, it has been classified as a Variant of Uncertain Significance.

Literature cited by the submitters: PubMed 17576681; PubMed 9536098.

NM_014679.5(CEP57):c.382+6T>C

Gene: CEP57 (centrosomal protein 57; plus strand). Cytogenetic location: 11q21.
Variant type: single nucleotide variant.
Coding change: c.382+6T>C on transcript NM_014679.5 (MANE Select); 6 bases into the intron after coding-DNA position 382, T replaced by C.
Molecular consequence: intron variant.
Genome position (GRCh38, 1-based): chr11:95,813,117, T>C. VCF-style: chr11-95813117-T-C. GRCh37 (hg19) VCF-style: chr11-95546281-T-C.
Other names: c.301+6T>C (NM_001363604.2); c.355+6T>C (NM_001243776.2); c.382+6T>C (NM_001243777.2).
Identifiers: ClinVar variation 2157964 (VCV002157964.4), dbSNP rs2496222422, ClinGen allele CA2574955246.
Genomic context (GRCh38, chr11:95,813,117, plus strand): 5'-GAACAGATACAAGAAAGGGAGAATTCAAAGAATGAGGAATCAAAGCACAATCAAGGTTTG[T>C]TGATGAAGAAAATTAAAATTCTATCAAAATAAGTGTTGTGCAGTATTAAGTATTCTAAAA-3'